The following is an entry in ClinVar:

ClinVar aggregate classification (germline): Uncertain significance. Review status: criteria provided, multiple submitters, no conflicts (2 of 4 stars). 2 submissions from 2 submitters: Uncertain significance (2). Last evaluated 2024-04-02.

Conditions:
Familial adenomatous polyposis 1 (FAP1). Also called: FAMILIAL ADENOMATOUS POLYPOSIS 1, ATTENUATED; POLYPOSIS, ADENOMATOUS INTESTINAL. Identifiers: MedGen C2713442, MONDO:0021056, OMIM 175100. Disease mechanism: loss of function.

Submissions (2):

Women's Health and Genetics/Laboratory Corporation of America, LabCorp
Classification: Uncertain significance. Last evaluated: 2024-04-02. Review status: criteria provided, single submitter. Criteria: LabCorp Variant Classification Summary - May 2015. Collection method: clinical testing. Allele origin: germline.
Comment: Variant summary: APC c.7621A>T (p.Ile2541Phe) results in a non-conservative amino acid change located in the Adenomatous polyposis coli protein basic domain (IPR009234) of the encoded protein sequence. Three of five in-silico tools predict a benign effect of the variant on protein function. The variant was absent in 250678 control chromosomes (gnomAD). The available data on variant occurrences in the general population are insufficient to allow any conclusion about variant significance. To our knowledge, no occurrence of c.7621A>T in individuals affected with Familial Adenomatous Polyposis and no experimental evidence demonstrating its impact on protein function have been reported. ClinVar contains an entry for this variant (Variation ID: 2856757). Based on the evidence outlined above, the variant was classified as uncertain significance.

Labcorp Genetics (formerly Invitae), Labcorp
Classification: Uncertain significance for Familial adenomatous polyposis 1. Last evaluated: 2023-04-16. Review status: criteria provided, single submitter. Criteria: Invitae Variant Classification Sherloc (09022015). Collection method: clinical testing. Allele origin: germline.
Comment: Advanced modeling of protein sequence and biophysical properties (such as structural, functional, and spatial information, amino acid conservation, physicochemical variation, residue mobility, and thermodynamic stability) performed at Invitae indicates that this missense variant is not expected to disrupt APC protein function. This variant has not been reported in the literature in individuals affected with APC-related conditions. This variant is not present in population databases (gnomAD no frequency). This sequence change replaces isoleucine, which is neutral and non-polar, with phenylalanine, which is neutral and non-polar, at codon 2541 of the APC protein (p.Ile2541Phe). In summary, the available evidence is currently insufficient to determine the role of this variant in disease. Therefore, it has been classified as a Variant of Uncertain Significance.

NM_000038.6(APC):c.7621A>T (p.Ile2541Phe)

Gene: APC (APC regulator of Wnt signaling pathway; plus strand). Cytogenetic location: 5q22.2.
Variant type: single nucleotide variant.
Coding change: c.7621A>T on transcript NM_000038.6 (MANE Select); coding-DNA position 7621, A replaced by T.
Protein change: p.Ile2541Phe; replaces isoleucine 2541 with phenylalanine.
Molecular consequence: missense variant. On other transcripts: non-coding transcript variant (2).
Genome position (GRCh38, 1-based): chr5:112,843,215, A>T. VCF-style: chr5-112843215-A-T. GRCh37 (hg19) VCF-style: chr5-112178912-A-T.
Other names: c.7621A>T, p.Ile2541Phe (NM_001127510.3, NM_001354895.2, NM_001407450.1); c.7567A>T, p.Ile2523Phe (NM_001127511.3); c.7675A>T, p.Ile2559Phe (NM_001354896.2, NM_001407447.1, NM_001407448.1 and 1 more transcripts); c.7651A>T, p.Ile2551Phe (NM_001354897.2); c.7546A>T, p.Ile2516Phe (NM_001354898.2); c.7537A>T, p.Ile2513Phe (NM_001354899.2); c.7498A>T, p.Ile2500Phe (NM_001354900.2); c.7444A>T, p.Ile2482Phe (NM_001354901.2, NM_001407453.1); and 11 more; short protein forms I2157F, I2458F, I2534F, I2541F, I2381F, I2412F, I2513F, I2516F.
Identifiers: ClinVar variation 2856757 (VCV002856757.4), dbSNP rs587778033, ClinGen allele CA16037884.